The following is an entry in ClinVar:

NM_004208.4(AIFM1):c.937A>G (p.Ser313Gly)

Genes: AIFM1 (apoptosis inducing factor mitochondria associated 1; minus strand), RAB33A (RAB33A, member RAS oncogene family; plus strand). Cytogenetic location: Xq26.1.
Variant type: single nucleotide variant.
Coding change: c.937A>G on transcript NM_004208.4 (MANE Select); coding-DNA position 937, A replaced by G.
Protein change: p.Ser313Gly; replaces serine 313 with glycine.
Molecular consequence: missense variant. On other transcripts: non-coding transcript variant (1).
Genome position (GRCh38, 1-based): chrX:130,138,623, T>C on the plus strand (A>G on the coding strand, the complement: AIFM1 is on the minus strand). VCF-style: chrX-130138623-T-C. GRCh37 (hg19) VCF-style: chrX-129272598-T-C.
Other names: c.937A>G, p.Ser313Gly (NM_001130847.4); c.925A>G, p.Ser309Gly (NM_145812.3); short protein forms S309G, S313G.
Identifiers: ClinVar variation 1508338 (VCV001508338.8), dbSNP rs2124655169, ClinGen allele CA414580930.

ClinVar aggregate classification (germline): Uncertain significance (1 of 4 stars; one submission).

Conditions:
Combined oxidative phosphorylation deficiency. Identifiers: MedGen C4540031, MONDO:0000732.
Charcot-Marie-Tooth Neuropathy X. Identifiers: MedGen CN118851.

Submission:

Labcorp Genetics (formerly Invitae), Labcorp
Classification: Uncertain significance for Charcot-Marie-Tooth Neuropathy X; Combined oxidative phosphorylation deficiency. Last evaluated: 2021-02-07. Review status: criteria provided, single submitter. Criteria: Invitae Variant Classification Sherloc (09022015). Collection method: clinical testing. Allele origin: germline.
Comment: In summary, the available evidence is currently insufficient to determine the role of this variant in disease. Therefore, it has been classified as a Variant of Uncertain Significance. Advanced modeling of protein sequence and biophysical properties (such as structural, functional, and spatial information, amino acid conservation, physicochemical variation, residue mobility, and thermodynamic stability) performed at Invitae indicates that this missense variant is expected to disrupt AIFM1 protein function. This variant has not been reported in the literature in individuals with AIFM1-related conditions. This variant is not present in population databases (ExAC no frequency). This sequence change replaces serine with glycine at codon 313 of the AIFM1 protein (p.Ser313Gly). The serine residue is highly conserved and there is a small physicochemical difference between serine and glycine.